The following is an entry in ClinVar:

NM_138694.4(PKHD1):c.390+1del

Gene: PKHD1 (PKHD1 ciliary IPT domain containing fibrocystin/polyductin; minus strand). Cytogenetic location: 6p12.2.
Variant type: Deletion.
Coding change: c.390+1del on transcript NM_138694.4 (MANE Select); the canonical splice donor site of the intron after coding-DNA position 390, one base deleted (G; older notation c.390+1delG).
Molecular consequence: splice donor variant.
Genome position (GRCh38, 1-based): chr6:52,079,899, C deleted on the plus strand (G on the coding strand, the reverse complement: PKHD1 is on the minus strand); the first of 2 consecutive C bases (chr6:52,079,899-52,079,900); deleting either gives the same sequence. VCF-style (leftmost placement, unchanged base first): chr6-52079898-AC-A. GRCh37 (hg19) VCF-style: chr6-51944696-AC-A.
Other names: c.390+1delG (NM_138694.3); c.390+1del (NM_170724.3).
Identifiers: ClinVar variation 556777 (VCV000556777.8), dbSNP rs1554227162, ClinGen allele CA658821304.

ClinVar aggregate classification (germline): Pathogenic. Review status: criteria provided, single submitter (1 of 4 stars). 2 submissions from 2 submitters: Pathogenic (1). 1 of the submissions does not count toward it. Last evaluated 2022-07-19.

Conditions:
Autosomal recessive polycystic kidney disease (ARPKD). Also called: AR polycystic kidney disease. Identifiers: Orphanet 731, Orphanet 8378, MedGen C0085548, MeSH D017044, MONDO:0009889.
Polycystic kidney disease 4 (PKD4). Also called: POLYCYSTIC KIDNEY DISEASE 4 WITH OR WITHOUT POLYCYSTIC LIVER DISEASE; POLYCYSTIC KIDNEY AND HEPATIC DISEASE 1; POLYCYSTIC KIDNEY DISEASE, INFANTILE, TYPE I; PKD3; Autosomal Recessive Polycystic Kidney Disease – PKHD1. Identifiers: MedGen C4540575, MONDO:0033004, OMIM 263200.

Submissions (2):

Labcorp Genetics (formerly Invitae), Labcorp
Classification: Pathogenic for Autosomal recessive polycystic kidney disease. Last evaluated: 2022-07-19. Review status: criteria provided, single submitter. Criteria: Invitae Variant Classification Sherloc (09022015). Collection method: clinical testing. Allele origin: germline.
Comment: For these reasons, this variant has been classified as Pathogenic. Algorithms developed to predict the effect of sequence changes on RNA splicing suggest that this variant may disrupt the consensus splice site. ClinVar contains an entry for this variant (Variation ID: 556777). This variant is also known as c.390+1del. This variant has been observed in individual(s) with clinical features of PKHD1-related conditions (PMID: 33282801; Invitae). This variant is not present in population databases (gnomAD no frequency). This sequence change creates a premature translational stop signal (p.Lys130Asnfs*23) in the PKHD1 gene. It is expected to result in an absent or disrupted protein product. Loss-of-function variants in PKHD1 are known to be pathogenic (PMID: 19940839).

Counsyl
Classification: Likely pathogenic for Polycystic kidney disease 4. Last evaluated: 2018-02-20. Review status: no assertion criteria provided. Collection method: clinical testing. Allele origin: unknown. Not counted in ClinVar's aggregate classification.

Literature cited by the submitters: PubMed 33282801 (cited by Labcorp Genetics (formerly Invitae), Labcorp); PubMed 19940839 (cited by Labcorp Genetics (formerly Invitae), Labcorp).